The following is an entry in ClinVar:

ClinVar aggregate classification (germline): Likely pathogenic (1 of 4 stars; one submission).

Conditions:
Agammaglobulinaemia with absent BTK expression.

Submission:

Genetics Laboratory, Great Ormond Street Hospital NHS Foundation Trust, North Thames Genomic Laboratory Hub
Classification: Likely pathogenic for Agammaglobulinaemia with absent BTK expression. Last evaluated: 2026-03-16. Review status: criteria provided, single submitter. Criteria: ACGS Best Practice Guidelines for Variant Classification in Rare Disease 2024 v1.2. Collection method: clinical testing. Allele origin: germline. Affected: yes.
Comment: PS4_moderate, PM2_moderate, PS1_moderate

NM_000061.3(BTK):c.1A>G (p.Met1Val)

Gene: BTK (Bruton tyrosine kinase; minus strand). Cytogenetic location: Xq22.1.
Variant type: single nucleotide variant.
Coding change: c.1A>G on transcript NM_000061.3 (MANE Select); coding-DNA position 1, A replaced by G.
Protein change: p.Met1Val; changes the start codon (methionine 1).
Molecular consequence: missense variant, initiator codon variant.
Genome position (GRCh38, 1-based): chrX:101,375,284, T>C on the plus strand (A>G on the coding strand, the complement: BTK is on the minus strand). VCF-style: chrX-101375284-T-C. GRCh37 (hg19) VCF-style: chrX-100630272-T-C.
Other names: c.103A>G, p.Met35Val (NM_001287344.2); c.1A>G, p.Met1Val (NM_001287345.2); short protein forms M1V, M35V.
Identifiers: ClinVar variation 4850862 (VCV004850862.1).
Genomic context (GRCh38, chrX:101,375,284, plus strand): 5'-ATGTTTTCTTTTTCTGTTGGGATCGCTTCAGAAAGATGCTCTCCAGAATCACTGCGGCCA[T>C]AGCTTCTTCTTTCTGGAGTTCACCTGTGTGCTGTTGATAATGAAAGTTCCTGAGGACCCA-3'
Protein context (NP_000052.1, residues 1-11): [Met1Val]AAVILESIFL